The following is an entry in ClinVar:

NM_014000.3(VCL):c.1948G>T (p.Val650Phe)

Gene: VCL (vinculin; plus strand). Cytogenetic location: 10q22.2.
Variant type: single nucleotide variant.
Coding change: c.1948G>T on transcript NM_014000.3 (MANE Select); coding-DNA position 1948, G replaced by T.
Protein change: p.Val650Phe; replaces valine 650 with phenylalanine.
Molecular consequence: missense variant.
Genome position (GRCh38, 1-based): chr10:74,101,023, G>T. VCF-style: chr10-74101023-G-T. GRCh37 (hg19) VCF-style: chr10-75860781-G-T.
Other names: c.1948G>T, p.Val650Phe (NM_003373.4); short protein forms V650F.
Identifiers: ClinVar variation 4808673 (VCV004808673.1).
Genomic context (GRCh38, chr10:74,101,023, plus strand): 5'-GCAGCTAACTTTGAAAACCATTCAGGAAAGCTTGGTGCTACGGCCGAGAAGGCGGCTGCG[G>T]TTGGTACTGCTAATAAATCAACAGTGGAAGGCATTCAGGCCTCAGTGAAGACGGCCCGAG-3'
Protein context (NP_054706.1, residues 640-660): LGATAEKAAA[Val650Phe]GTANKSTVEG

ClinVar aggregate classification (germline): Uncertain significance (1 of 4 stars; one submission).

Conditions:
Dilated cardiomyopathy 1W (CMD1W). Identifiers: Orphanet 154, MedGen C1969639, MONDO:0012667, OMIM 611407.

gnomAD v4.1: 2 of 1,614,016 alleles (0.00012%); highest among the groups gnomAD compares: Non-Finnish European, 0.00017%; no homozygotes.

Submission:

Labcorp Genetics (formerly Invitae), Labcorp
Classification: Uncertain significance for Dilated cardiomyopathy 1W. Last evaluated: 2025-08-13. Review status: criteria provided, single submitter. Criteria: Invitae Variant Classification Sherloc (09022015). Collection method: clinical testing. Allele origin: germline.
Comment: This sequence change replaces valine, which is neutral and non-polar, with phenylalanine, which is neutral and non-polar, at codon 650 of the VCL protein (p.Val650Phe). This variant is not present in population databases (gnomAD no frequency). This variant has not been reported in the literature in individuals affected with VCL-related conditions. An algorithm developed to predict the effect of missense changes on protein structure and function (PolyPhen-2) suggests that this variant is likely to be disruptive. In summary, the available evidence is currently insufficient to determine the role of this variant in disease. Therefore, it has been classified as a Variant of Uncertain Significance.